The following is an entry in ClinVar:

NM_002137.4(HNRNPA2B1):c.655T>G (p.Ser219Ala)

Gene: HNRNPA2B1 (heterogeneous nuclear ribonucleoprotein A2/B1; minus strand). Cytogenetic location: 7p15.2.
Variant type: single nucleotide variant.
Coding change: c.655T>G on transcript NM_002137.4 (MANE Select); coding-DNA position 655, T replaced by G.
Protein change: p.Ser219Ala; replaces serine 219 with alanine.
Molecular consequence: missense variant.
Genome position (GRCh38, 1-based): chr7:26,196,404, A>C on the plus strand (T>G on the coding strand, the complement: HNRNPA2B1 is on the minus strand). VCF-style: chr7-26196404-A-C. GRCh37 (hg19) VCF-style: chr7-26236024-A-C.
Other names: c.691T>G, p.Ser231Ala (NM_031243.4); short protein forms S219A, S231A.
Identifiers: ClinVar variation 2755805 (VCV002755805.3), dbSNP rs2535784703, ClinGen allele CA367077959.

ClinVar aggregate classification (germline): Uncertain significance (1 of 4 stars; one submission).

Conditions:
Inclusion body myopathy with early-onset Paget disease with or without frontotemporal dementia 2 (IBMPFD2). Also called: MULTISYSTEM PROTEINOPATHY 2. Identifiers: MedGen C3809468, MONDO:0014178, OMIM 615422.

Allele frequency attached by ClinVar (database versions not stated): gnomAD exomes below 0.00001.

Submission:

Labcorp Genetics (formerly Invitae), Labcorp
Classification: Uncertain significance for Inclusion body myopathy with early-onset Paget disease with or without frontotemporal dementia 2. Last evaluated: 2023-08-29. Review status: criteria provided, single submitter. Criteria: Invitae Variant Classification Sherloc (09022015). Collection method: clinical testing. Allele origin: germline.
Comment: In summary, the available evidence is currently insufficient to determine the role of this variant in disease. Therefore, it has been classified as a Variant of Uncertain Significance. Experimental studies have shown that this missense change affects HNRNPA2B1 function (PMID: 27990297). This sequence change replaces serine, which is neutral and polar, with alanine, which is neutral and non-polar, at codon 231 of the HNRNPA2B1 protein (p.Ser231Ala). This variant is not present in population databases (gnomAD no frequency). This variant has not been reported in the literature in individuals affected with HNRNPA2B1-related conditions. This variant is also known as S219A. Advanced modeling of protein sequence and biophysical properties (such as structural, functional, and spatial information, amino acid conservation, physicochemical variation, residue mobility, and thermodynamic stability) performed at Invitae indicates that this missense variant is not expected to disrupt HNRNPA2B1 protein function.

Literature cited by the submitters: PubMed 27990297.